The following is an entry in ClinVar:

ClinVar aggregate classification (germline): Uncertain significance. Review status: criteria provided, multiple submitters, no conflicts (2 of 4 stars). 3 submissions from 3 submitters: Uncertain significance (3). Last evaluated 2024-10-16.

Conditions:
Cerebral palsy, spastic quadriplegic, 2 (CPSQ2). Identifiers: Orphanet 210141, MedGen C2752061, MONDO:0013033, OMIM 612900.

Allele frequency attached by ClinVar (database versions not stated): ExAC 0.00001; gnomAD 0.00002; TOPMed 0.00003.
gnomAD v4.1: 17 of 1,613,976 alleles (0.0011%); highest among the groups gnomAD compares: Middle Eastern, 0.016%; no homozygotes.

Submissions (3):

Ambry Genetics
Classification: Uncertain significance. Last evaluated: 2024-10-16. Review status: criteria provided, single submitter. Criteria: Ambry Variant Classification Scheme 2023. Collection method: clinical testing. Allele origin: germline.

Genomic Medicine Center of Excellence, King Faisal Specialist Hospital and Research Centre
Classification: Uncertain significance for Cerebral palsy, spastic quadriplegic, 2. Last evaluated: 2024-03-29. Review status: criteria provided, single submitter. Criteria: ACMG Guidelines, 2015. Collection method: clinical testing. Allele origin: germline.

Labcorp Genetics (formerly Invitae), Labcorp
Classification: Uncertain significance. Last evaluated: 2022-10-29. Review status: criteria provided, single submitter. Criteria: Invitae Variant Classification Sherloc (09022015). Collection method: clinical testing. Allele origin: germline.
Comment: This sequence change replaces glycine, which is neutral and non-polar, with arginine, which is basic and polar, at codon 1278 of the KANK1 protein (p.Gly1278Arg). This variant is present in population databases (rs752882731, gnomAD 0.007%). In summary, the available evidence is currently insufficient to determine the role of this variant in disease. Therefore, it has been classified as a Variant of Uncertain Significance. Algorithms developed to predict the effect of missense changes on protein structure and function (SIFT, PolyPhen-2, Align-GVGD) all suggest that this variant is likely to be disruptive. This variant has not been reported in the literature in individuals affected with KANK1-related conditions.

NM_015158.5(KANK1):c.3832G>A (p.Gly1278Arg)

Gene: KANK1 (KN motif and ankyrin repeat domains 1; plus strand). Cytogenetic location: 9p24.3.
Variant type: single nucleotide variant.
Coding change: c.3832G>A on transcript NM_015158.5 (MANE Select); coding-DNA position 3832, G replaced by A.
Protein change: p.Gly1278Arg; replaces glycine 1278 with arginine.
Molecular consequence: missense variant. On other transcripts: non-coding transcript variant (1).
Genome position (GRCh38, 1-based): chr9:742,340, G>A. VCF-style: chr9-742340-G-A. GRCh37 (hg19) VCF-style: chr9-742340-G-A.
Other names: c.3832G>A (NM_015158.2); c.3832G>A, p.Gly1278Arg (NM_001256876.3, NM_001256877.3, NM_001354334.2); c.3592G>A, p.Gly1198Arg (NM_001354331.2); c.3778G>A, p.Gly1260Arg (NM_001354332.2); c.3358G>A, p.Gly1120Arg (NM_001354333.2, NM_001354335.2, NM_001354337.2 and 2 more transcripts); c.3064G>A, p.Gly1022Arg (NM_001354336.2); c.3304G>A, p.Gly1102Arg (NM_001354338.2, NM_001354340.2, NM_001354344.2); c.3118G>A, p.Gly1040Arg (NM_001354339.2, NM_001354342.2, NM_001354343.2); short protein forms G1102R, G1198R, G1022R, G1040R, G1120R, G1278R, G1260R.
Identifiers: ClinVar variation 1898493 (VCV001898493.7), dbSNP rs752882731, ClinGen allele CA4961185.